The following is an entry in ClinVar:

NM_000264.5(PTCH1):c.1414G>T (p.Ala472Ser)

Gene: PTCH1 (patched 1; minus strand). Cytogenetic location: 9q22.32.
Variant type: single nucleotide variant.
Coding change: c.1414G>T on transcript NM_000264.5 (MANE Select); coding-DNA position 1414, G replaced by T.
Protein change: p.Ala472Ser; replaces alanine 472 with serine.
Molecular consequence: missense variant. On other transcripts: non-coding transcript variant (1), intron variant (1).
Genome position (GRCh38, 1-based): chr9:95,477,636, C>A on the plus strand (G>T on the coding strand, the complement: PTCH1 is on the minus strand). VCF-style: chr9-95477636-C-A. GRCh37 (hg19) VCF-style: chr9-98239918-C-A.
Other names: c.1216G>T, p.Ala406Ser (NM_001083602.3); c.1411G>T, p.Ala471Ser (NM_001083603.3); c.961G>T, p.Ala321Ser (NM_001083604.3, NM_001083605.3, NM_001083606.3 and 1 more transcripts); c.1347+419G>T (NM_001354918.2); short protein forms A472S, A406S, A471S, A321S.
Identifiers: ClinVar variation 524502 (VCV000524502.10), dbSNP rs899465701, ClinGen allele CA196593464.

ClinVar aggregate classification (germline): Uncertain significance. Review status: criteria provided, multiple submitters, no conflicts (2 of 4 stars). 2 submissions from 2 submitters: Uncertain significance (2). Last evaluated 2024-08-17.

Conditions:
Hereditary cancer-predisposing syndrome. Also called: Neoplastic Syndromes, Hereditary; Tumor predisposition; Hereditary Cancer Syndrome; Hereditary neoplastic syndrome. Identifiers: Orphanet 140162, MedGen C0027672, MeSH D009386, MONDO:0015356.
Gorlin syndrome. Also called: Nevoid Basal Cell Carcinoma Syndrome; Basal cell nevus syndrome. Identifiers: Orphanet 377, MedGen C0004779, MONDO:0007187.

Submissions (2):

Labcorp Genetics (formerly Invitae), Labcorp
Classification: Uncertain significance for Gorlin syndrome. Last evaluated: 2024-08-17. Review status: criteria provided, single submitter. Criteria: Invitae Variant Classification Sherloc (09022015). Collection method: clinical testing. Allele origin: germline.
Comment: This sequence change replaces alanine, which is neutral and non-polar, with serine, which is neutral and polar, at codon 472 of the PTCH1 protein (p.Ala472Ser). This variant is not present in population databases (gnomAD no frequency). This variant has not been reported in the literature in individuals affected with PTCH1-related conditions. ClinVar contains an entry for this variant (Variation ID: 524502). Invitae Evidence Modeling of protein sequence and biophysical properties (such as structural, functional, and spatial information, amino acid conservation, physicochemical variation, residue mobility, and thermodynamic stability) indicates that this missense variant is not expected to disrupt PTCH1 protein function with a negative predictive value of 95%. In summary, the available evidence is currently insufficient to determine the role of this variant in disease. Therefore, it has been classified as a Variant of Uncertain Significance.

Ambry Genetics
Classification: Uncertain significance for Hereditary cancer-predisposing syndrome. Last evaluated: 2021-04-15. Review status: criteria provided, single submitter. Criteria: Ambry Variant Classification Scheme 2023. Collection method: clinical testing. Allele origin: germline.
Comment: The p.A472S variant (also known as c.1414G>T), located in coding exon 10 of the PTCH1 gene, results from a G to T substitution at nucleotide position 1414. The alanine at codon 472 is replaced by serine, an amino acid with similar properties. This amino acid position is highly conserved in available vertebrate species. In addition, this alteration is predicted to be deleterious by in silico analysis. Since supporting evidence is limited at this time, the clinical significance of this alteration remains unclear.